The following is an entry in ClinVar:

ClinVar aggregate classification (germline): Uncertain significance (1 of 4 stars; one submission).

Conditions:
Hereditary cancer-predisposing syndrome. Also called: Neoplastic Syndromes, Hereditary; Tumor predisposition; Hereditary neoplastic syndrome; Hereditary Cancer Syndrome. Identifiers: Orphanet 140162, MedGen C0027672, MeSH D009386, MONDO:0015356.

gnomAD v4.1: 5 of 1,614,052 alleles (0.00031%); highest among the groups gnomAD compares: South Asian, 0.0033%; no homozygotes.

Submission:

Ambry Genetics
Classification: Uncertain significance for Hereditary cancer-predisposing syndrome. Last evaluated: 2026-07-06. Review status: criteria provided, single submitter. Criteria: Ambry Variant Classification Scheme 2023. Collection method: clinical testing. Allele origin: germline.
Comment: The p.M76L variant (also known as c.226A>T), located in coding exon 4 of the MAX gene, results from an A to T substitution at nucleotide position 226. The methionine at codon 76 is replaced by leucine, an amino acid with highly similar properties. This amino acid position is conserved. In addition, this alteration is predicted to be tolerated by in silico analysis. Based on the available evidence, the clinical significance of this variant remains unclear.

NM_002382.5(MAX):c.172-6209A>T

Gene: MAX (MYC associated transcriptional regulator X; minus strand). Cytogenetic location: 14q23.3.
Variant type: single nucleotide variant.
Coding change: c.172-6209A>T on transcript NM_002382.5 (MANE Select); 6209 bases into the intron before coding-DNA position 172, A replaced by T.
Molecular consequence: intron variant. On other transcripts: missense variant (3), stop lost (1), non-coding transcript variant (4).
Genome position (GRCh38, 1-based): chr14:65,084,245, T>A on the plus strand (A>T on the coding strand, the complement: MAX is on the minus strand). VCF-style: chr14-65084245-T-A. GRCh37 (hg19) VCF-style: chr14-65550963-T-A.
Other names: c.64-6209A>T (NM_001407098.1); c.-103-6209A>T (NM_001320415.2, NM_001407105.1, NM_001407106.1 and 1 more transcripts); c.172-6209A>T (NM_145113.3, NM_001407096.1, NM_001407097.1 and 3 more transcripts); c.-196-6209A>T (NM_001407111.1, NM_001407112.1); c.145-6209A>T (NM_001407099.1, NM_001407100.1, NM_001407095.1 and 6 more transcripts); c.199A>T, p.Met67Leu (NM_001271068.2, NM_001407113.1); c.249A>T, p.Ter83Cys (NM_001407114.1); c.226A>T, p.Met76Leu (NM_145114.3); and 2 more; short protein forms M76L, M67L.
Identifiers: ClinVar variation 5023951 (VCV005023951.1).
Genomic context (GRCh38, chr14:65,084,245, plus strand): 5'-TCTTGCATTCTTTTTTCTTGTGCACTTGGTAGCTTGAAATGAAGGTGTGGCATTTCTGCA[T>A]CAAACTTTGACGATGAAGGACAGGAGTACACAATTTCCAAAAGAGGAAATAGAGCTAGTA-3'